The following is an entry in ClinVar:

ClinVar aggregate classification (germline): Likely pathogenic (1 of 4 stars; one submission).

Submission:

Labcorp Genetics (formerly Invitae), Labcorp
Classification: Likely pathogenic. Last evaluated: 2020-10-07. Review status: criteria provided, single submitter. Criteria: Invitae Variant Classification Sherloc (09022015). Collection method: clinical testing. Allele origin: germline.
Comment: Disruption of this splice site has been observed in individual(s) with autosomal dominant Alport syndrome (PMID: 11134255). Algorithms developed to predict the effect of sequence changes on RNA splicing suggest that this variant may disrupt the consensus splice site, but this prediction has not been confirmed by published transcriptional studies. Donor and acceptor splice site variants typically lead to a loss of protein function (PMID: 16199547), and loss-of-function variants in COL4A3 are known to be pathogenic (PMID: 8956999, 24854265, 26809805, 27281700). In summary, the currently available evidence indicates that the variant is pathogenic, but additional data are needed to prove that conclusively. Therefore, this variant has been classified as Likely Pathogenic. This sequence change affects an acceptor splice site in intron 42 of the COL4A3 gene. It is expected to disrupt RNA splicing and likely results in an absent or disrupted protein product. This variant is not present in population databases (ExAC no frequency).

Literature cited by the submitters: PubMed 11134255; PubMed 16199547; PubMed 8956999; PubMed 24854265; PubMed 26809805; PubMed 27281700.

NM_000091.5(COL4A3):c.3752-2A>G

Genes: COL4A3 (collagen type IV alpha 3 chain; plus strand), MFF-DT (MFF divergent transcript; minus strand). Cytogenetic location: 2q36.3.
Variant type: single nucleotide variant.
Coding change: c.3752-2A>G on transcript NM_000091.5 (MANE Select); the canonical splice acceptor site of the intron before coding-DNA position 3752, A replaced by G.
Molecular consequence: splice acceptor variant.
Genome position (GRCh38, 1-based): chr2:227,298,680, A>G. VCF-style: chr2-227298680-A-G. GRCh37 (hg19) VCF-style: chr2-228163396-A-G.
Identifiers: ClinVar variation 1067641 (VCV001067641.9), dbSNP rs2106250696, ClinGen allele CA350860676.
Genomic context (GRCh38, chr2:227,298,680, plus strand): 5'-TGATAAATAGAACCTTCCAAGCTCCCTGGCTGGCAATACTGACAGACTTTTCATGAATTC[A>G]GGTGCGCCTGGTCCCCCTGGACCTCCAGGGAGTCATGTAATAGGCATAAAAGGAGACAAA-3'